The following is an entry in ClinVar:

NM_032608.7(MYO18B):c.6800G>C (p.Gly2267Ala)

Gene: MYO18B (myosin XVIIIB; plus strand). Cytogenetic location: 22q12.1.
Variant type: single nucleotide variant.
Coding change: c.6800G>C on transcript NM_032608.7 (MANE Select); coding-DNA position 6800, G replaced by C.
Protein change: p.Gly2267Ala; replaces glycine 2267 with alanine.
Molecular consequence: missense variant.
Genome position (GRCh38, 1-based): chr22:26,026,774, G>C. VCF-style: chr22-26026774-G-C. GRCh37 (hg19) VCF-style: chr22-26422740-G-C.
Other names: c.6803G>C, p.Gly2268Ala (NM_001318245.2); short protein forms G2267A, G2268A.
Identifiers: ClinVar variation 718328 (VCV000718328.17), dbSNP rs201232336, ClinGen allele CA10161614.

ClinVar aggregate classification (germline): Likely benign. Review status: criteria provided, multiple submitters, no conflicts (2 of 4 stars). 3 submissions from 3 submitters: Likely benign (2). 1 of the submissions does not count toward it. Last evaluated 2026-01-26.

Conditions:
MYO18B-related disorder. Also called: MYO18B-related condition.

Allele frequency attached by ClinVar (database versions not stated): gnomAD exomes 0.00016 and 0.00040; ExAC 0.00050; 1000 Genomes Project 0.00120; 1000 Genomes Project 30x 0.00125; ESP Exome Variant Server 0.00150; gnomAD 0.00197 and 0.00214; TOPMed 0.00241.
gnomAD v4.1: 537 of 1,608,142 alleles (0.033%); highest among the groups gnomAD compares: African/African-American, 0.65%; 1 homozygote.

Submissions (3):

Labcorp Genetics (formerly Invitae), Labcorp
Classification: Likely benign. Last evaluated: 2026-01-26. Review status: criteria provided, single submitter. Criteria: Invitae Variant Classification Sherloc (09022015). Collection method: clinical testing. Allele origin: germline.

CeGaT Center for Human Genetics Tuebingen
Classification: Likely benign. Last evaluated: 2025-11-01. Review status: criteria provided, single submitter. Criteria: CeGaT Center For Human Genetics Tuebingen Variant Classification Criteria Version 2. Collection method: clinical testing. Allele origin: germline. Affected: yes. Observed: 1 variant allele.
Comment: MYO18B: BP4

PreventionGenetics, part of Exact Sciences
Classification: Benign for MYO18B-related condition. Last evaluated: 2020-03-30. Review status: no assertion criteria provided. Collection method: clinical testing. Allele origin: germline. Not counted in ClinVar's aggregate classification.
Comment: This variant is classified as benign based on ACMG/AMP sequence variant interpretation guidelines (Richards et al. 2015 PMID: 25741868, with internal and published modifications).